The following is an entry in ClinVar:

ClinVar aggregate classification (germline): Uncertain significance (1 of 4 stars; one submission).

gnomAD v4.1: 1 of 1,614,104 alleles (0.000062%); highest among the groups gnomAD compares: Non-Finnish European, 0.000085%; no homozygotes.

Submission:

GeneDx
Classification: Uncertain significance. Last evaluated: 2023-06-15. Review status: criteria provided, single submitter. Criteria: GeneDx Variant Classification Process June 2021. Collection method: clinical testing. Allele origin: germline. Affected: yes.
Comment: Has not been previously published as pathogenic or benign to our knowledge; In silico analysis supports that this missense variant does not alter protein structure/function; Not observed at significant frequency in large population cohorts (gnomAD)

NM_001348323.3(TRIP12):c.4589T>G (p.Ile1530Ser)

Gene: TRIP12 (thyroid hormone receptor interactor 12; minus strand). Cytogenetic location: 2q36.3.
Variant type: single nucleotide variant.
Coding change: c.4589T>G on transcript NM_001348323.3 (MANE Select); coding-DNA position 4589, T replaced by G.
Protein change: p.Ile1530Ser; replaces isoleucine 1530 with serine.
Molecular consequence: missense variant.
Genome position (GRCh38, 1-based): chr2:229,789,717, A>C on the plus strand (T>G on the coding strand, the complement: TRIP12 is on the minus strand). VCF-style: chr2-229789717-A-C. GRCh37 (hg19) VCF-style: chr2-230654433-A-C.
Other names: c.4508T>G, p.Ile1503Ser (NM_001284214.2, NM_001348315.2); c.4463T>G, p.Ile1488Ser (NM_001284215.2, NM_001348316.2); c.3554T>G, p.Ile1185Ser (NM_001284216.2); c.4448T>G, p.Ile1483Ser (NM_001348317.1, NM_001348318.2); c.4574T>G, p.Ile1525Ser (NM_001348319.1, NM_001348320.2); c.4577T>G, p.Ile1526Ser (NM_001348321.1); c.4589T>G, p.Ile1530Ser (NM_001348322.1, NM_001348324.2, NM_001348325.2 and 2 more transcripts); c.4592T>G, p.Ile1531Ser (NM_001348328.1, NM_001348329.2, NM_001348330.2); and 4 more; short protein forms I1185S, I1455S, I1456S, I1483S, I1488S, I1496S, I1503S, I1504S.
Identifiers: ClinVar variation 3340342 (VCV003340342.1).